The following is an entry in ClinVar:

NM_001161403.3(LIMS2):c.496T>C (p.Cys166Arg)

Gene: LIMS2 (LIM zinc finger domain containing 2; minus strand). Cytogenetic location: 2q14.3.
Variant type: single nucleotide variant.
Coding change: c.496T>C on transcript NM_001161403.3 (MANE Select); coding-DNA position 496, T replaced by C.
Protein change: p.Cys166Arg; replaces cysteine 166 with arginine.
Molecular consequence: missense variant.
Genome position (GRCh38, 1-based): chr2:127,642,936, A>G on the plus strand (T>C on the coding strand, the complement: LIMS2 is on the minus strand). VCF-style: chr2-127642936-A-G. GRCh37 (hg19) VCF-style: chr2-128400511-A-G.
Other names: c.562T>C, p.Cys188Arg (NM_001136037.4); c.481T>C, p.Cys161Arg (NM_001161404.2); c.40T>C, p.Cys14Arg (NM_001161405.1, NM_001256542.2); c.568T>C, p.Cys190Arg (NM_017980.5); short protein forms C161R, C166R, C188R, C14R, C190R.
Identifiers: ClinVar variation 1979616 (VCV001979616.4), dbSNP rs2468846159, ClinGen allele CA348425674.

ClinVar aggregate classification (germline): Uncertain significance (1 of 4 stars; one submission).

Conditions:
Autosomal recessive limb-girdle muscular dystrophy type 2W (MDRCMTT). Also called: Muscular dystrophy, limb-girdle, type 2W; Muscular dystrophy, autosomal recessive, with cardiomyopathy and triangular tongue. Identifiers: MedGen C4225192, MONDO:0014788, OMIM 616827.

Allele frequency attached by ClinVar (database versions not stated): gnomAD exomes below 0.00001.
gnomAD v4.1: 5 of 1,563,636 alleles (0.00032%); highest among the groups gnomAD compares: Non-Finnish European, 0.00035%; no homozygotes.

Submission:

Labcorp Genetics (formerly Invitae), Labcorp
Classification: Uncertain significance for Autosomal recessive limb-girdle muscular dystrophy type 2W. Last evaluated: 2022-06-08. Review status: criteria provided, single submitter. Criteria: Invitae Variant Classification Sherloc (09022015). Collection method: clinical testing. Allele origin: germline.
Comment: This sequence change replaces cysteine, which is neutral and slightly polar, with arginine, which is basic and polar, at codon 188 of the LIMS2 protein (p.Cys188Arg). This variant is not present in population databases (gnomAD no frequency). This variant has not been reported in the literature in individuals affected with LIMS2-related conditions. Algorithms developed to predict the effect of missense changes on protein structure and function (SIFT, PolyPhen-2, Align-GVGD) all suggest that this variant is likely to be disruptive. In summary, the available evidence is currently insufficient to determine the role of this variant in disease. Therefore, it has been classified as a Variant of Uncertain Significance.